The following is an entry in ClinVar:

ClinVar aggregate classification (germline): Uncertain significance. Review status: criteria provided, multiple submitters, no conflicts (2 of 4 stars). 3 submissions from 3 submitters: Uncertain significance (3). Last evaluated 2024-11-24.

Conditions:
Hereditary cancer-predisposing syndrome. Also called: Tumor predisposition; Neoplastic Syndromes, Hereditary; Hereditary Cancer Syndrome; Hereditary neoplastic syndrome. Identifiers: Orphanet 140162, MedGen C0027672, MeSH D009386, MONDO:0015356.
Ataxia-telangiectasia syndrome (AT). Also called: ATAXIA-TELANGIECTASIA, COMPLEMENTATION GROUP A; ATAXIA-TELANGIECTASIA, FRESNO VARIANT; Ataxia-telangiectasia; Ataxia-telangiectasia, complementation group D; AT, COMPLEMENTATION GROUP C; Ataxia-telangiectasia, complementation group E. Identifiers: Orphanet 100, MedGen C0004135, MONDO:0008840, OMIM 208900.

Submissions (3):

Labcorp Genetics (formerly Invitae), Labcorp
Classification: Uncertain significance for Ataxia-telangiectasia syndrome. Last evaluated: 2024-11-24. Review status: criteria provided, single submitter. Criteria: Invitae Variant Classification Sherloc (09022015). Collection method: clinical testing. Allele origin: germline.
Comment: This sequence change replaces alanine, which is neutral and non-polar, with threonine, which is neutral and polar, at codon 2150 of the ATM protein (p.Ala2150Thr). This variant is not present in population databases (gnomAD no frequency). This variant has not been reported in the literature in individuals affected with ATM-related conditions. ClinVar contains an entry for this variant (Variation ID: 845717). Invitae Evidence Modeling of protein sequence and biophysical properties (such as structural, functional, and spatial information, amino acid conservation, physicochemical variation, residue mobility, and thermodynamic stability) has been performed for this missense variant. However, the output from this modeling did not meet the statistical confidence thresholds required to predict the impact of this variant on ATM protein function. In summary, the available evidence is currently insufficient to determine the role of this variant in disease. Therefore, it has been classified as a Variant of Uncertain Significance.

Ambry Genetics
Classification: Uncertain significance for Hereditary cancer-predisposing syndrome. Last evaluated: 2024-04-25. Review status: criteria provided, single submitter. Criteria: Ambry Variant Classification Scheme 2023. Collection method: clinical testing. Allele origin: germline.
Comment: The p.A2150T variant (also known as c.6448G>A), located in coding exon 43 of the ATM gene, results from a G to A substitution at nucleotide position 6448. The alanine at codon 2150 is replaced by threonine, an amino acid with similar properties. This amino acid position is conserved. In addition, this alteration is predicted to be deleterious by in silico analysis. Based on the available evidence, the clinical significance of this variant remains unclear.

Color Diagnostics, LLC DBA Color Health
Classification: Uncertain significance for Hereditary cancer-predisposing syndrome. Last evaluated: 2020-08-20. Review status: criteria provided, single submitter. Criteria: ACMG Guidelines, 2015. Collection method: clinical testing. Allele origin: germline.
Comment: This missense variant replaces alanine with threonine at codon 2150 of the ATM protein. Computational prediction is inconclusive regarding the impact of this variant on protein structure and function (internally defined REVEL score threshold 0.5 < inconclusive < 0.7, PMID: 27666373). To our knowledge, functional studies have not been reported for this variant. This variant has not been reported in individuals affected with hereditary cancer in the literature. This variant has not been identified in the general population by the Genome Aggregation Database (gnomAD). The available evidence is insufficient to determine the role of this variant in disease conclusively. Therefore, this variant is classified as a Variant of Uncertain Significance.

NM_000051.4(ATM):c.6448G>A (p.Ala2150Thr)

Genes: ATM (ATM serine/threonine kinase; plus strand), C11orf65 (chromosome 11 open reading frame 65; minus strand). Cytogenetic location: 11q22.3.
Variant type: single nucleotide variant.
Coding change: c.6448G>A on transcript NM_000051.4 (MANE Select); coding-DNA position 6448, G replaced by A.
Protein change: p.Ala2150Thr; replaces alanine 2150 with threonine.
Molecular consequence: missense variant. On other transcripts: intron variant (2).
Genome position (GRCh38, 1-based): chr11:108,320,054, G>A. VCF-style: chr11-108320054-G-A. GRCh37 (hg19) VCF-style: chr11-108190781-G-A.
Other names: c.6448G>A, p.Ala2150Thr (NM_001351834.2); c.641-10983C>T (NM_001330368.2); c.*39-10983C>T (NM_001351110.2); short protein forms A2150T.
Identifiers: ClinVar variation 845717 (VCV000845717.13), dbSNP rs1591100678, ClinGen allele CA382553659.
Genomic context (GRCh38, chr11:108,320,054, plus strand): 5'-AATGCTCTACAATCTCTAAGAGACAGAGAATTCTCTACATTTTATGAAAGTCTCAAATAT[G>A]CCAGGTATTATGAAAAGACAAAGTTACTGTATTTTAACATTTAATGTCATGGCTTCTTTT-3'
Protein context (NP_000042.3, residues 2140-2160): FSTFYESLKY[Ala2150Thr]RVKEVEEMCK